The following is an entry in ClinVar:

ClinVar aggregate classification (germline): Uncertain significance. Review status: criteria provided, multiple submitters, no conflicts (2 of 4 stars). 6 submissions from 6 submitters: Uncertain significance (6). Last evaluated 2025-02-10.

Conditions:
DDX41-related hematologic malignancy predisposition syndrome. Also called: DDX41-Associated Familial Myelodysplastic Syndrome and Acute Myeloid Leukemia; Myeloproliferative/lymphoproliferative neoplasms, familial (multiple types), susceptibility to. Identifiers: Orphanet 488647, MedGen C4225174, MONDO:0014809, OMIM 616871.
Inborn genetic diseases. Identifiers: MedGen C0950123, MeSH D030342.

Allele frequency attached by ClinVar (database versions not stated): ExAC 0.00001; gnomAD 0.00001; TOPMed 0.00001; gnomAD exomes 0.00002.
gnomAD v4.1: 32 of 1,612,766 alleles (0.002%); highest among the groups gnomAD compares: Middle Eastern, 0.033%; no homozygotes.

Submissions (6):

Ambry Genetics
Classification: Uncertain significance for Inborn genetic diseases. Last evaluated: 2025-02-10. Review status: criteria provided, single submitter. Criteria: Ambry Variant Classification Scheme 2023. Collection method: clinical testing. Allele origin: germline.
Comment: The p.R293C variant (also known as c.877C>T), located in coding exon 9 of the DDX41 gene, results from a C to T substitution at nucleotide position 877. The arginine at codon 293 is replaced by cysteine, an amino acid with highly dissimilar properties. This amino acid position is highly conserved in available vertebrate species. In addition, the in silico prediction for this alteration is inconclusive. Based on the available evidence, the clinical significance of this variant remains unclear.

GeneDx
Classification: Uncertain significance. Last evaluated: 2023-12-08. Review status: criteria provided, single submitter. Criteria: GeneDx Variant Classification Process June 2021. Collection method: clinical testing. Allele origin: germline. Affected: yes.
Comment: Not observed at significant frequency in large population cohorts (gnomAD); In silico analysis supports that this missense variant has a deleterious effect on protein structure/function; Has not been previously published as pathogenic or benign to our knowledge; This variant is associated with the following publications: (PMID: 27721487)

Labcorp Genetics (formerly Invitae), Labcorp
Classification: Uncertain significance. Last evaluated: 2023-10-22. Review status: criteria provided, single submitter. Criteria: Invitae Variant Classification Sherloc (09022015). Collection method: clinical testing. Allele origin: germline.
Comment: This sequence change replaces arginine, which is basic and polar, with cysteine, which is neutral and slightly polar, at codon 293 of the DDX41 protein (p.Arg293Cys). This variant is present in population databases (rs763133277, gnomAD 0.007%). This variant has not been reported in the literature in individuals affected with DDX41-related conditions. ClinVar contains an entry for this variant (Variation ID: 1337311). An algorithm developed to predict the effect of missense changes on protein structure and function (PolyPhen-2) suggests that this variant is likely to be tolerated. In summary, the available evidence is currently insufficient to determine the role of this variant in disease. Therefore, it has been classified as a Variant of Uncertain Significance.

Blueprint Genetics
Classification: Uncertain significance. Last evaluated: 2023-10-20. Review status: criteria provided, single submitter. Criteria: ACMG Guidelines, 2015. Collection method: clinical testing. Allele origin: germline.

Baylor Genetics
Classification: Uncertain significance for DDX41-related hematologic malignancy predisposition syndrome. Last evaluated: 2023-09-10. Review status: criteria provided, single submitter. Criteria: ACMG Guidelines, 2015. Collection method: clinical testing. Allele origin: unknown.

Genetic Services Laboratory, University of Chicago
Classification: Uncertain significance. Last evaluated: 2019-07-24. Review status: criteria provided, single submitter. Criteria: ACMG Guidelines, 2015. Collection method: clinical testing. Allele origin: germline. Affected: no.

NM_016222.4(DDX41):c.877C>T (p.Arg293Cys)

Gene: DDX41 (DEAD-box helicase 41; minus strand). Cytogenetic location: 5q35.3.
Variant type: single nucleotide variant.
Coding change: c.877C>T on transcript NM_016222.4 (MANE Select); coding-DNA position 877, C replaced by T.
Protein change: p.Arg293Cys; replaces arginine 293 with cysteine.
Molecular consequence: missense variant.
Genome position (GRCh38, 1-based): chr5:177,514,759, G>A on the plus strand (C>T on the coding strand, the complement: DDX41 is on the minus strand). VCF-style: chr5-177514759-G-A. GRCh37 (hg19) VCF-style: chr5-176941760-G-A.
Other names: c.499C>T, p.Arg167Cys (NM_001321732.2, NM_001321830.2); short protein forms R167C, R293C.
Identifiers: ClinVar variation 1337311 (VCV001337311.12), dbSNP rs763133277, ClinGen allele CA3584992.